The following is an entry in ClinVar:

NM_001330260.2(SCN8A):c.3440del (p.Pro1147fs)

Gene: SCN8A (sodium voltage-gated channel alpha subunit 8; plus strand). Cytogenetic location: 12q13.13.
Variant type: Deletion.
Coding change: c.3440del on transcript NM_001330260.2 (MANE Select); coding-DNA position 3440, one base deleted (C; older notation c.3440delC).
Protein change: p.Pro1147fs; shifts the reading frame from proline 1147.
Molecular consequence: frameshift variant.
Genome position (GRCh38, 1-based): chr12:51,769,935, C deleted; the last of 3 consecutive C bases (chr12:51,769,933-51,769,935); deleting any one gives the same sequence. VCF-style (leftmost placement, unchanged base first): chr12-51769932-TC-T. GRCh37 (hg19) VCF-style: chr12-52163716-TC-T.
Other names: c.3440del, p.Pro1147fs (NM_001177984.3, NM_001369788.1, NM_014191.4); short protein forms P1147fs.
Identifiers: ClinVar variation 1318918 (VCV001318918.2), dbSNP rs2138870280, ClinGen allele CA2573053700.
Genomic context (GRCh38, chr12:51,769,932, plus strand): 5'-TAGATGACACCAGCTCCTCTGAAGGAAGCACCATTGATATCAAACCAGAAGTAGAAGAGG[TC>T]CCTGTGGAACAGCCTGAGGAATACTTGGATCCAGATGCCTGCTTCACAGAAGGTGAAAGG-3'

ClinVar aggregate classification (germline): Likely pathogenic (1 of 4 stars; one submission).

Submission:

GeneDx
Classification: Likely pathogenic. Last evaluated: 2022-11-17. Review status: criteria provided, single submitter. Criteria: GeneDx Variant Classification Process June 2021. Collection method: clinical testing. Allele origin: germline. Affected: yes.
Comment: Frameshift variant predicted to result in protein truncation or nonsense mediated decay in a gene for which loss of function is a known mechanism of disease; Not observed in large population cohorts (gnomAD); Has not been previously published as pathogenic or benign to our knowledge